The following is an entry in ClinVar:

NM_001395656.1(ROBO2):c.2734G>A (p.Gly912Arg)

Gene: ROBO2 (roundabout guidance receptor 2; plus strand). Cytogenetic location: 3p12.3.
Variant type: single nucleotide variant.
Coding change: c.2734G>A on transcript NM_001395656.1 (MANE Select); coding-DNA position 2734, G replaced by A.
Protein change: p.Gly912Arg; replaces glycine 912 with arginine.
Molecular consequence: missense variant.
Genome position (GRCh38, 1-based): chr3:77,595,180, G>A. VCF-style: chr3-77595180-G-A. GRCh37 (hg19) VCF-style: chr3-77644331-G-A.
Other names: c.2770G>A, p.Gly924Arg (NM_001128929.3); c.2734G>A, p.Gly912Arg (NM_001290039.2, NM_001290040.2, NM_001378202.1); c.943G>A, p.Gly315Arg (NM_001290065.2); c.2782G>A, p.Gly928Arg (NM_001378190.1, NM_001378191.1, NM_001378195.1 and 4 more transcripts); c.2803G>A, p.Gly935Arg (NM_001378192.1, NM_001378194.1, NM_001394213.1 and 2 more transcripts); c.2722G>A, p.Gly908Arg (NM_001378193.1, NM_002942.5, NM_001378197.1); c.2791G>A, p.Gly931Arg (NM_001394214.1, NM_001395657.1, NM_001394212.1); short protein forms G908R, G931R, G912R, G924R, G928R, G315R, G935R.
Identifiers: ClinVar variation 2861329 (VCV002861329.3), dbSNP rs2094272648, ClinGen allele CA353524998.

ClinVar aggregate classification (germline): Uncertain significance (1 of 4 stars; one submission).

Allele frequency attached by ClinVar (database versions not stated): gnomAD exomes below 0.00001; TOPMed below 0.00001.
gnomAD v4.1: 1 of 1,610,060 alleles (0.000062%); highest among the groups gnomAD compares: Non-Finnish European, 0.000085%; no homozygotes.

Submission:

Labcorp Genetics (formerly Invitae), Labcorp
Classification: Uncertain significance. Last evaluated: 2023-12-09. Review status: criteria provided, single submitter. Criteria: Invitae Variant Classification Sherloc (09022015). Collection method: clinical testing. Allele origin: germline.
Comment: This sequence change replaces glycine, which is neutral and non-polar, with arginine, which is basic and polar, at codon 908 of the ROBO2 protein (p.Gly908Arg). This variant is not present in population databases (gnomAD no frequency). This variant has not been reported in the literature in individuals affected with ROBO2-related conditions. Advanced modeling of protein sequence and biophysical properties (such as structural, functional, and spatial information, amino acid conservation, physicochemical variation, residue mobility, and thermodynamic stability) performed at Invitae indicates that this missense variant is not expected to disrupt ROBO2 protein function with a negative predictive value of 95%. In summary, the available evidence is currently insufficient to determine the role of this variant in disease. Therefore, it has been classified as a Variant of Uncertain Significance.